The following is an entry in ClinVar:

ClinVar aggregate classification (germline): Pathogenic (1 of 4 stars; one submission).

Conditions:
Arrhythmogenic cardiomyopathy with wooly hair and keratoderma. Also called: Carvajal syndrome; PALMOPLANTAR KERATODERMA WITH LEFT VENTRICULAR CARDIOMYOPATHY AND WOOLLY HAIR; Dilated cardiomyopathy with woolly hair and keratoderma; Arrhythmogenic cardiomyopathy with woolly hair and keratoderma. Identifiers: Orphanet 65282, MedGen C1854063, MONDO:0011581, OMIM 605676.
Arrhythmogenic right ventricular dysplasia 8 (ARVD8). Also called: Arrhythmogenic Right Ventricular Dysplasia/Cardiomyopathy 8; ARRHYTHMOGENIC RIGHT VENTRICULAR DYSPLASIA, FAMILIAL, 8; ARRHYTHMOGENIC RIGHT VENTRICULAR CARDIOMYOPATHY 8. Identifiers: MedGen C1843896, MONDO:0011831, OMIM 607450.

Submission:

Labcorp Genetics (formerly Invitae), Labcorp
Classification: Pathogenic for Arrhythmogenic cardiomyopathy with wooly hair and keratoderma; Arrhythmogenic right ventricular dysplasia 8. Last evaluated: 2025-06-27. Review status: criteria provided, single submitter. Criteria: Invitae Variant Classification Sherloc (09022015). Collection method: clinical testing. Allele origin: germline.
Comment: This sequence change creates a premature translational stop signal (p.Asn440Thrfs*9) in the DSP gene. It is expected to result in an absent or disrupted protein product. Loss-of-function variants in DSP are known to be pathogenic (PMID: 20716751, 24503780, 25227139). This variant is not present in population databases (gnomAD no frequency). This variant has not been reported in the literature in individuals affected with DSP-related conditions. For these reasons, this variant has been classified as Pathogenic.

Literature cited by the submitters: PubMed 20716751; PubMed 24503780; PubMed 25227139.

NM_004415.4(DSP):c.1319del (p.Asn440fs)

Gene: DSP (desmoplakin; plus strand). Cytogenetic location: 6p24.3.
Variant type: Deletion.
Coding change: c.1319del on transcript NM_004415.4 (MANE Select); coding-DNA position 1319, one base deleted (A; older notation c.1319delA).
Protein change: p.Asn440fs; shifts the reading frame from asparagine 440.
Molecular consequence: frameshift variant.
Genome position (GRCh38, 1-based): chr6:7,568,489, A deleted; the last of 3 consecutive A bases (chr6:7,568,487-7,568,489); deleting any one gives the same sequence. VCF-style (leftmost placement, unchanged base first): chr6-7568486-TA-T. GRCh37 (hg19) VCF-style: chr6-7568719-TA-T.
Other names: c.1319del, p.Asn440fs (NM_001008844.3, NM_001319034.2, NM_001406591.1); short protein forms N440fs.
Identifiers: ClinVar variation 4785409 (VCV004785409.1).